The following is an entry in ClinVar:

NM_002294.3(LAMP2):c.188C>T (p.Thr63Ile)

Gene: LAMP2 (lysosome associated membrane protein 2; minus strand). Cytogenetic location: Xq24.
Variant type: single nucleotide variant.
Coding change: c.188C>T on transcript NM_002294.3 (MANE Select); coding-DNA position 188, C replaced by T.
Protein change: p.Thr63Ile; replaces threonine 63 with isoleucine.
Molecular consequence: missense variant.
Genome position (GRCh38, 1-based): chrX:120,455,566, G>A on the plus strand (C>T on the coding strand, the complement: LAMP2 is on the minus strand). VCF-style: chrX-120455566-G-A. GRCh37 (hg19) VCF-style: chrX-119589421-G-A.
Other names: c.188C>T, p.Thr63Ile (NM_001122606.1, NM_013995.2); short protein forms T63I.
Identifiers: ClinVar variation 641626 (VCV000641626.10), dbSNP rs1358581771, ClinGen allele CA414403526.

ClinVar aggregate classification (germline): Conflicting classifications of pathogenicity. Review status: criteria provided, conflicting classifications (1 of 4 stars). 2 submissions from 2 submitters: Uncertain significance (1); Likely benign (1). Last evaluated 2025-02-21.

Conditions:
Cardiovascular phenotype. Identifiers: MedGen CN230736.
Danon disease. Also called: PSEUDOGLYCOGENOSIS II; GSD IIb; LYSOSOMAL GLYCOGEN STORAGE DISEASE WITHOUT ACID MALTASE DEFICIENCY; ANTOPOL DISEASE; Glycogen Storage Disease Type IIb. Identifiers: Orphanet 34587, MedGen C0878677, MONDO:0010281, OMIM 300257.

Allele frequency attached by ClinVar (database versions not stated): gnomAD exomes 0.00002 and 0.00001.
gnomAD v4.1: 25 of 1,201,086 alleles (0.0021%); highest among the groups gnomAD compares: Non-Finnish European, 0.0018%; no homozygotes.

Submissions (2):

Ambry Genetics
Classification: Likely benign for Cardiovascular phenotype. Last evaluated: 2025-02-21. Review status: criteria provided, single submitter. Criteria: Ambry Variant Classification Scheme 2023. Collection method: clinical testing. Allele origin: germline.

Labcorp Genetics (formerly Invitae), Labcorp
Classification: Uncertain significance for Danon disease. Last evaluated: 2024-12-05. Review status: criteria provided, single submitter. Criteria: Invitae Variant Classification Sherloc (09022015). Collection method: clinical testing. Allele origin: germline.
Comment: This sequence change replaces threonine, which is neutral and polar, with isoleucine, which is neutral and non-polar, at codon 63 of the LAMP2 protein (p.Thr63Ile). This variant is present in population databases (no rsID available, gnomAD 0.001%). This variant has not been reported in the literature in individuals affected with LAMP2-related conditions. ClinVar contains an entry for this variant (Variation ID: 641626). Invitae Evidence Modeling of protein sequence and biophysical properties (such as structural, functional, and spatial information, amino acid conservation, physicochemical variation, residue mobility, and thermodynamic stability) indicates that this missense variant is not expected to disrupt LAMP2 protein function with a negative predictive value of 80%. In summary, the available evidence is currently insufficient to determine the role of this variant in disease. Therefore, it has been classified as a Variant of Uncertain Significance.